The following is an entry in ClinVar:

ClinVar aggregate classification (germline): Uncertain significance (1 of 4 stars; one submission).

Conditions:
Inborn genetic diseases. Identifiers: MedGen C0950123, MeSH D030342.

gnomAD v4.1: 18 of 1,613,278 alleles (0.0011%); highest among the groups gnomAD compares: South Asian, 0.0022%; no homozygotes.

Submission:

Ambry Genetics
Classification: Uncertain significance for Inborn genetic diseases. Last evaluated: 2024-12-01. Review status: criteria provided, single submitter. Criteria: Ambry Variant Classification Scheme 2023. Collection method: clinical testing. Allele origin: germline.
Comment: The p.V760I variant (also known as c.2278G>A), located in coding exon 21 of the ANKRD26 gene, results from a G to A substitution at nucleotide position 2278. The valine at codon 760 is replaced by isoleucine, an amino acid with highly similar properties. This amino acid position is conserved. In addition, this alteration is predicted to be tolerated by in silico analysis. Based on the available evidence, the clinical significance of this variant remains unclear.

NM_014915.3(ANKRD26):c.2278G>A (p.Val760Ile)

Gene: ANKRD26 (ankyrin repeat domain containing 26; minus strand). Cytogenetic location: 10p12.1.
Variant type: single nucleotide variant.
Coding change: c.2278G>A on transcript NM_014915.3 (MANE Select); coding-DNA position 2278, G replaced by A.
Protein change: p.Val760Ile; replaces valine 760 with isoleucine.
Molecular consequence: missense variant.
Genome position (GRCh38, 1-based): chr10:27,040,062, C>T on the plus strand (G>A on the coding strand, the complement: ANKRD26 is on the minus strand). VCF-style: chr10-27040062-C-T. GRCh37 (hg19) VCF-style: chr10-27328991-C-T.
Other names: c.2275G>A, p.Val759Ile (NM_001256053.2); short protein forms V759I, V760I.
Identifiers: ClinVar variation 3397009 (VCV003397009.1).